The following is an entry in ClinVar:

ClinVar aggregate classification (germline): Conflicting classifications of pathogenicity. Review status: criteria provided, conflicting classifications (1 of 4 stars). 4 submissions from 4 submitters: Uncertain significance (1); Benign (1); Likely benign (2). Last evaluated 2025-05-19.

Conditions:
Hereditary cancer-predisposing syndrome. Also called: Tumor predisposition; Hereditary neoplastic syndrome; Neoplastic Syndromes, Hereditary; Hereditary Cancer Syndrome. Identifiers: Orphanet 140162, MedGen C0027672, MeSH D009386, MONDO:0015356.
Familial adenomatous polyposis 1 (FAP1). Also called: FAMILIAL ADENOMATOUS POLYPOSIS 1, ATTENUATED; POLYPOSIS, ADENOMATOUS INTESTINAL. Identifiers: MedGen C2713442, MONDO:0021056, OMIM 175100. Disease mechanism: loss of function.

Allele frequency attached by ClinVar (database versions not stated): TOPMed below 0.00001.

Submissions (4):

GeneDx
Classification: Uncertain significance. Last evaluated: 2025-05-19. Review status: criteria provided, single submitter. Criteria: GeneDx Variant Classification Process June 2021. Collection method: clinical testing. Allele origin: germline. Affected: yes.
Comment: Not observed at significant frequency in large population cohorts (gnomAD); In silico analysis suggests that this variant does not alter splicing; Has not been previously published as pathogenic or benign to our knowledge

Labcorp Genetics (formerly Invitae), Labcorp
Classification: Likely benign for Familial adenomatous polyposis 1. Last evaluated: 2024-06-05. Review status: criteria provided, single submitter. Criteria: Invitae Variant Classification Sherloc (09022015). Collection method: clinical testing. Allele origin: germline.

Myriad Genetics, Inc.
Classification: Benign for Familial adenomatous polyposis 1. Last evaluated: 2024-03-01. Review status: criteria provided, single submitter. Criteria: Myriad Autosomal Dominant, Autosomal Recessive and X-Linked Classification Criteria (2023). Collection method: clinical testing. Allele origin: unknown.
Comment: This variant is considered benign. This variant is a silent/synonymous amino acid change and it is not expected to impact splicing.

Ambry Genetics
Classification: Likely benign for Hereditary cancer-predisposing syndrome. Last evaluated: 2019-11-22. Review status: criteria provided, single submitter. Criteria: Ambry Variant Classification Scheme 2023. Collection method: clinical testing. Allele origin: germline.

NM_000038.6(APC):c.1236G>A (p.Gln412=)

Gene: APC (APC regulator of Wnt signaling pathway; plus strand). Cytogenetic location: 5q22.2.
Variant type: single nucleotide variant.
Coding change: c.1236G>A on transcript NM_000038.6 (MANE Select); coding-DNA position 1236, G replaced by A.
Protein change: p.Gln412=; no amino-acid change (glutamine 412 retained).
Molecular consequence: synonymous variant. On other transcripts: non-coding transcript variant (2), splice acceptor variant (15).
Genome position (GRCh38, 1-based): chr5:112,819,268, G>A. VCF-style: chr5-112819268-G-A. GRCh37 (hg19) VCF-style: chr5-112154965-G-A.
Other names: c.1236G>A, p.Gln412= (NM_001127510.3, NM_001354895.2, NM_001354896.2 and 4 more transcripts); c.1182G>A, p.Gln394= (NM_001127511.3); c.1266G>A, p.Gln422= (NM_001354897.2, NM_001407446.1); c.1161G>A, p.Gln387= (NM_001354898.2, NM_001407451.1); c.1152G>A, p.Gln384= (NM_001354899.2, NM_001407452.1); c.1059G>A, p.Gln353= (NM_001354900.2, NM_001354901.2, NM_001407453.1); c.387G>A, p.Gln129= (NM_001354906.2, NM_001407470.1); c.85-1G>A (NM_001407472.1, NM_001407471.1); and 5 more.
Identifiers: ClinVar variation 818668 (VCV000818668.15), dbSNP rs1580530779, ClinGen allele CA445960368.